The following is an entry in ClinVar:

ClinVar aggregate classification (germline): Uncertain significance (1 of 4 stars; one submission).

Conditions:
Dilated cardiomyopathy 1II (CMD1II). Identifiers: Orphanet 154, MedGen C3554649, MONDO:0014073, OMIM 615184.

Submission:

Labcorp Genetics (formerly Invitae), Labcorp
Classification: Uncertain significance for Dilated cardiomyopathy 1II. Last evaluated: 2022-03-19. Review status: criteria provided, single submitter. Criteria: Invitae Variant Classification Sherloc (09022015). Collection method: clinical testing. Allele origin: germline.
Comment: This variant is not present in population databases (gnomAD no frequency). In summary, the available evidence is currently insufficient to determine the role of this variant in disease. Therefore, it has been classified as a Variant of Uncertain Significance. Algorithms developed to predict the effect of missense changes on protein structure and function (SIFT, PolyPhen-2, Align-GVGD) all suggest that this variant is likely to be disruptive. ClinVar contains an entry for this variant (Variation ID: 855579). This variant has not been reported in the literature in individuals affected with CRYAB-related conditions. This sequence change replaces histidine, which is basic and polar, with aspartic acid, which is acidic and polar, at codon 83 of the CRYAB protein (p.His83Asp).

NM_001289808.2(CRYAB):c.247C>G (p.His83Asp)

Gene: CRYAB (crystallin alpha B; minus strand). Cytogenetic location: 11q23.1.
Variant type: single nucleotide variant.
Coding change: c.247C>G on transcript NM_001289808.2 (MANE Select); coding-DNA position 247, C replaced by G.
Protein change: p.His83Asp; replaces histidine 83 with aspartic acid.
Molecular consequence: missense variant.
Genome position (GRCh38, 1-based): chr11:111,910,404, G>C on the plus strand (C>G on the coding strand, the complement: CRYAB is on the minus strand). VCF-style: chr11-111910404-G-C. GRCh37 (hg19) VCF-style: chr11-111781128-G-C.
Other names: c.247C>G, p.His83Asp (NM_001289807.1, NM_001368245.1, NM_001885.3); c.46C>G, p.His16Asp (NM_001330379.1, NM_001368246.1); short protein forms H83D, H16D.
Identifiers: ClinVar variation 855579 (VCV000855579.9), dbSNP rs1965416729, ClinGen allele CA382599441.